The following is an entry in ClinVar:

NM_000051.4(ATM):c.7516-3T>C

Genes: C11orf65 (chromosome 11 open reading frame 65; minus strand), ATM (ATM serine/threonine kinase; plus strand). Cytogenetic location: 11q22.3.
Variant type: single nucleotide variant.
Coding change: c.7516-3T>C on transcript NM_000051.4 (MANE Select); 3 bases into the intron before coding-DNA position 7516, T replaced by C.
Molecular consequence: intron variant. On other transcripts: non-coding transcript variant (1).
Genome position (GRCh38, 1-based): chr11:108,331,441, T>C. VCF-style: chr11-108331441-T-C. GRCh37 (hg19) VCF-style: chr11-108202168-T-C.
Other names: c.7516-3T>C (NM_001351834.2); c.641-22370A>G (NM_001330368.2); c.*38+3779A>G (NM_001351110.2).
Identifiers: ClinVar variation 1759300 (VCV001759300.5), dbSNP rs2547273321, ClinGen allele CA2561956215.

ClinVar aggregate classification (germline): Uncertain significance. Review status: criteria provided, multiple submitters, no conflicts (2 of 4 stars). 2 submissions from 2 submitters: Uncertain significance (2). Last evaluated 2025-06-05.

Conditions:
Ataxia-telangiectasia syndrome (AT). Also called: Ataxia telangiectasia (A-T); LOUIS-BAR SYNDROME; Cerebello-oculocutaneous telangiectasia; Immunodeficiency with ataxia telangiectasia; Ataxia-telangiectasia, complementation group D; AT, COMPLEMENTATION GROUP C. Identifiers: Orphanet 100, MedGen C0004135, MONDO:0008840, OMIM 208900.
Hereditary cancer-predisposing syndrome. Also called: Hereditary neoplastic syndrome; Neoplastic Syndromes, Hereditary; Tumor predisposition; Hereditary Cancer Syndrome. Identifiers: Orphanet 140162, MedGen C0027672, MeSH D009386, MONDO:0015356.

Submissions (2):

Ambry Genetics
Classification: Uncertain significance for Hereditary cancer-predisposing syndrome. Last evaluated: 2025-06-05. Review status: criteria provided, single submitter. Criteria: Ambry Variant Classification Scheme 2023. Collection method: clinical testing. Allele origin: germline.
Comment: The c.7516-3T>C intronic variant results from a T to C substitution 3 nucleotides before coding exon 50 in the ATM gene. This nucleotide position is poorly conserved in available vertebrate species. In silico splice site analysis predicts that this alteration will not have any significant effect on splicing. Based on the available evidence, the clinical significance of this variant remains unclear.

Labcorp Genetics (formerly Invitae), Labcorp
Classification: Uncertain significance for Ataxia-telangiectasia syndrome. Last evaluated: 2024-07-16. Review status: criteria provided, single submitter. Criteria: Invitae Variant Classification Sherloc (09022015). Collection method: clinical testing. Allele origin: germline.
Comment: This sequence change falls in intron 50 of the ATM gene. It does not directly change the encoded amino acid sequence of the ATM protein. It affects a nucleotide within the consensus splice site. This variant is not present in population databases (gnomAD no frequency). This variant has not been reported in the literature in individuals affected with ATM-related conditions. ClinVar contains an entry for this variant (Variation ID: 1759300). Variants that disrupt the consensus splice site are a relatively common cause of aberrant splicing (PMID: 17576681, 9536098). Algorithms developed to predict the effect of sequence changes on RNA splicing suggest that this variant is not likely to affect RNA splicing. In summary, the available evidence is currently insufficient to determine the role of this variant in disease. Therefore, it has been classified as a Variant of Uncertain Significance.

Literature cited by the submitters: PubMed 17576681 (cited by Labcorp Genetics (formerly Invitae), Labcorp); PubMed 9536098 (cited by Labcorp Genetics (formerly Invitae), Labcorp).